The following is an entry in ClinVar:

NM_015365.3(AMMECR1):c.348_350del (p.Ser118del)

Gene: AMMECR1 (AMMECR nuclear protein 1; minus strand). Cytogenetic location: Xq23.
Variant type: Deletion.
Coding change: c.348_350del on transcript NM_015365.3 (MANE Select); coding-DNA positions 348 to 350, 3 bases deleted (CTC; older notation c.348_350delCTC).
Protein change: p.Ser118del; deletes serine 118.
Molecular consequence: inframe deletion. On other transcripts: 5 prime UTR variant (1).
Genome position (GRCh38, 1-based): chrX:110,317,722-110,317,724, GAG deleted on the plus strand (CTC on the coding strand, the reverse complement: AMMECR1 is on the minus strand); deleting any 3 consecutive bases within chrX:110,317,722-110,317,726 gives the same sequence; the c. name uses the placement nearest the transcript's 3' end. VCF-style (leftmost placement, unchanged base first): chrX-110317721-TGAG-T. GRCh37 (hg19) VCF-style: chrX-109560949-TGAG-T.
Other names: c.348_350del, p.Ser118del (NM_001025580.2); c.-22_-20del (NM_001171689.2); short protein forms S118del.
Identifiers: ClinVar variation 3902927 (VCV003902927.1).
Genomic context (GRCh38, chrX:110,317,721, plus strand): 5'-CACATCGAAGCAAAAGCAGCACATCTCTGCTGACACCACCATCTTCCGGGAGCCCGGCGA[TGAG>T]GACGAGGCGGCGGACGATGAGGAGGGTGAGGAAGAGGTGGCGGCGGCCGGGGTAGAAAGT-3'

ClinVar aggregate classification (germline): Uncertain significance (1 of 4 stars; one submission).

Submission:

GeneDx
Classification: Uncertain significance. Last evaluated: 2024-12-10. Review status: criteria provided, single submitter. Criteria: GeneDx Variant Classification Process June 2021. Collection method: clinical testing. Allele origin: germline. Affected: yes.
Comment: Not observed at significant frequency in large population cohorts (gnomAD); In-frame deletion of 1 amino acid(s) in a non-repeat region; In silico analysis indicates that this variant does not alter protein structure/function; Has not been previously published as pathogenic or benign to our knowledge